The following is an entry in ClinVar:

NM_000094.4(COL7A1):c.4027C>T (p.Arg1343Ter)

Gene: COL7A1 (collagen type VII alpha 1 chain; minus strand). Cytogenetic location: 3p21.31.
Variant type: single nucleotide variant.
Coding change: c.4027C>T on transcript NM_000094.4 (MANE Select); coding-DNA position 4027, C replaced by T.
Protein change: p.Arg1343Ter; replaces arginine 1343 with a stop codon.
Molecular consequence: nonsense.
Genome position (GRCh38, 1-based): chr3:48,584,754, G>A on the plus strand (C>T on the coding strand, the complement: COL7A1 is on the minus strand). VCF-style: chr3-48584754-G-A. GRCh37 (hg19) VCF-style: chr3-48622187-G-A.
Other names: short protein forms R1343*.
Identifiers: ClinVar variation 503709 (VCV000503709.38), dbSNP rs761234904, ClinGen allele CA2380264.

ClinVar aggregate classification (germline): Pathogenic. Review status: criteria provided, multiple submitters, no conflicts (2 of 4 stars). 8 submissions from 8 submitters: Pathogenic (8). Last evaluated 2026-05-11.

Conditions:
Recessive dystrophic epidermolysis bullosa (RDEB). Also called: epidermolysis bullosa dystrophica, autosomal recessive; Hallopeau-Siemens Disease; EPIDERMOLYSIS BULLOSA DYSTROPHICA, GENERALIZED SEVERE, AUTOSOMAL RECESSIVE; Epidermolysis Bullosa Distrophica Autosomal Recessive (RDEB); Recessive DEB (RDEB); severe generalized recessive dystrophic epidermolysis bullosa. Identifiers: Orphanet 79408, Orphanet 79409, MedGen C0079474, MONDO:0009179, OMIM 226600.
Generalized dominant dystrophic epidermolysis bullosa (DDEB). Also called: Dominant DEB (DDEB); DDEB, generalized; DDEB-gen; DYSTROPHIC EPIDERMOLYSIS BULLOSA, AUTOSOMAL DOMINANT; Epidermolysis bullosa dystrophica, autosomal dominant. Identifiers: Orphanet 231568, MedGen C0432322, MONDO:0007549, OMIM 131750.
Pretibial dystrophic epidermolysis bullosa. Also called: EPIDERMOLYSIS BULLOSA DYSTROPHICA, PRETIBIAL; Pretibial blistering; Pretibial epidermolysis bullosa. Identifiers: Orphanet 79410, MedGen C0432321, MONDO:0007552, OMIM 131850, HP:0012221.
Dominant dystrophic epidermolysis bullosa with absence of skin. Also called: EPIDERMOLYSIS BULLOSA WITH CONGENITAL LOCALIZED ABSENCE OF SKIN AND DEFORMITY OF NAILS; EPIDERMOLYSIS BULLOSA DYSTROPHICA, BART TYPE. Identifiers: MedGen C0268371, MONDO:0007557, OMIM 132000.
Epidermolysis bullosa pruriginosa. Also called: DEB, PRURIGINOSA; DYSTROPHIC EPIDERMOLYSIS BULLOSA PRURIGINOSA. Identifiers: Orphanet 89843, MedGen C1275114, MONDO:0011398, OMIM 604129.
Transient bullous dermolysis of the newborn (TBDN). Also called: EPIDERMOLYSIS BULLOSA DYSTROPHICA, NEONATAL FORM; DYSTROPHIC EPIDERMOLYSIS BULLOSA, NEONATAL. Identifiers: Orphanet 79411, MedGen C1851573, MONDO:0007548, OMIM 131705.
Nonsyndromic congenital nail disorder 8. Also called: TOENAIL DYSTROPHY, ISOLATED. Identifiers: MedGen C1843761, MONDO:0011852, OMIM 607523.
Epidermolysis bullosa dystrophica. Also called: Dystrophic epidermolysis bullosa, Hallopeau-Siemens type (formerly); Dystrophic epidermolysis bullosa. Identifiers: Orphanet 303, MedGen C0079294, MONDO:0006543.

Allele frequency attached by ClinVar (database versions not stated): ExAC 0.00001; gnomAD 0.00001; gnomAD exomes 0.00001; TOPMed 0.00003.
gnomAD v4.1: 24 of 1,613,778 alleles (0.0015%); highest among the groups gnomAD compares: African/African-American, 0.004%; no homozygotes.

Submissions (8):

Institute of Human Genetics, University of Leipzig Medical Center
Classification: Pathogenic for Recessive dystrophic epidermolysis bullosa. Last evaluated: 2026-05-11. Review status: criteria provided, single submitter. Criteria: ACMG Guidelines, 2015. Collection method: clinical testing. Allele origin: maternal. Inheritance: Autosomal recessive inheritance. Affected: yes.
Comment: Criteria applied: PVS1,PM3_STR,PM2,PP4; Identified as compund heterozygous with NM_000094.4:c.7289dup

Natera, Inc.
Classification: Pathogenic for Dystrophic epidermolysis bullosa. Last evaluated: 2025-11-10. Review status: criteria provided, single submitter. Criteria: Natera Variant Classification Schema (03/2026). Collection method: clinical testing. Allele origin: germline.
Comment: The c.4027C>T variant in COL7A1 is a nonsense variant predicted to introduce a stop codon at amino acid 1343. This variant is expected to result in nonsense mediated decay, truncation, or a dysfunctional protein product. The frequency of this variant in the general population is greater than expected for disorder. This variant has been observed in one or more individuals affected with the associated recessive disease, as either homozygous or compound heterozygous with a second variant (PMID: 27899325, 36287101). Given the available evidence, this variant is classified as Pathogenic.

Labcorp Genetics (formerly Invitae), Labcorp
Classification: Pathogenic. Last evaluated: 2024-10-22. Review status: criteria provided, single submitter. Criteria: Invitae Variant Classification Sherloc (09022015). Collection method: clinical testing. Allele origin: germline.
Comment: This sequence change creates a premature translational stop signal (p.Arg1343*) in the COL7A1 gene. It is expected to result in an absent or disrupted protein product. Loss-of-function variants in COL7A1 are known to be pathogenic (PMID: 16971478). This variant is present in population databases (rs761234904, gnomAD 0.004%). This premature translational stop signal has been observed in individuals with epidermolysis bullosa dystrophica and to be homozygous or in combination with another COL7A1 variant in individuals affected with this condition (PMID: 8037207, 21448560, 27899325). This variant is also known as Arg1216X. ClinVar contains an entry for this variant (Variation ID: 503709). For these reasons, this variant has been classified as Pathogenic.

3billion
Classification: Pathogenic for Recessive dystrophic epidermolysis bullosa. Last evaluated: 2024-08-30. Review status: criteria provided, single submitter. Criteria: ACMG Guidelines, 2015. Collection method: clinical testing. Allele origin: germline. Affected: yes.
Comment: The variant is observed at an extremely low frequency in the gnomAD v4.0.0 dataset (total allele frequency: 0.001%). Predicted Consequence/Location: Stop-gained (nonsense): predicted to result in a loss or disruption of normal protein function through nonsense-mediated decay (NMD) or protein truncation. Multiple pathogenic variants are reported downstream of the variant. The variant has been reported at least twice as pathogenic with clinical assertions and evidence for the classification (ClinVar ID: VCV000503709 /PMID: 8037207). Therefore, this variant is classified as Pathogenic according to the recommendation of ACMG/AMP guideline.

Fulgent Genetics
Classification: Pathogenic for Transient bullous dermolysis of the newborn; Generalized dominant dystrophic epidermolysis bullosa; Pretibial dystrophic epidermolysis bullosa; Dominant dystrophic epidermolysis bullosa with absence of skin; Recessive dystrophic epidermolysis bullosa; Epidermolysis bullosa pruriginosa; Nonsyndromic congenital nail disorder 8. Last evaluated: 2024-03-18. Review status: criteria provided, single submitter. Criteria: ACMG Guidelines, 2015. Collection method: clinical testing. Allele origin: germline.

Center for Research in Genodermatoses and Epidermolysis Bullosa, University of Buenos Aires
Classification: Pathogenic for Recessive dystrophic epidermolysis bullosa. Last evaluated: 2022-03-14. Review status: criteria provided, single submitter. Criteria: ACMG Guidelines, 2015. Collection method: clinical testing. Allele origin: germline. Affected: yes. Observed: 2 variant alleles, 2 compound heterozygotes.

Laboratorio de Genetica e Diagnostico Molecular, Hospital Israelita Albert Einstein
Classification: Pathogenic for Generalized dominant dystrophic epidermolysis bullosa; Recessive dystrophic epidermolysis bullosa. Last evaluated: 2022-01-28. Review status: criteria provided, single submitter. Criteria: ACMG Guidelines, 2015. Collection method: clinical testing. Allele origin: germline. Affected: yes.
Comment: ACMG classification criteria: PVS1 very strong, PS4 strong, PM2 moderate, PM3 strong

GeneDx
Classification: Pathogenic. Last evaluated: 2018-11-06. Review status: criteria provided, single submitter. Criteria: GeneDx Variant Classification (06012015). Collection method: clinical testing. Allele origin: germline. Affected: yes.
Comment: The R1343X pathogenic variant in the COL7A1 gene has been reported in combination another COL7A1 variant in multiple individuals with dystrophic epidermolysis bullosa, but it is not known whether the variants occurred on the same (in cis) or on different (in trans) chromosomes (Hovnanian et al., 1997; Kern et al., 2006; Jerabkova et al., 2010). This variant is predicted to cause loss of normal protein function either through protein truncation or nonsense-mediated mRNA decay. The R1343X variant is not observed at a significant frequency in large population cohorts (Lek et al., 2016). We interpret R1343X as a pathogenic variant.

Literature cited by the submitters: PubMed 27899325 (cited by Natera, Inc. and Labcorp Genetics (formerly Invitae), Labcorp); PubMed 36287101 (cited by Natera, Inc.); PubMed 16971478 (cited by Labcorp Genetics (formerly Invitae), Labcorp); PubMed 8037207 (cited by 3 submitters); PubMed 21448560 (cited by Labcorp Genetics (formerly Invitae), Labcorp); PubMed 35979658 (cited by Center for Research in Genodermatoses and Epidermolysis Bullosa, University of Buenos Aires).